The following is an entry in ClinVar:

ClinVar aggregate classification (germline): Uncertain significance (1 of 4 stars; one submission).

Conditions:
DOCK2 deficiency. Also called: Immunodeficiency 40. Identifiers: Orphanet 447737, MedGen C4225328, MONDO:0014637, OMIM 616433.

Submission:

Labcorp Genetics (formerly Invitae), Labcorp
Classification: Uncertain significance for DOCK2 deficiency. Last evaluated: 2022-02-05. Review status: criteria provided, single submitter. Criteria: Invitae Variant Classification Sherloc (09022015). Collection method: clinical testing. Allele origin: germline.
Comment: In summary, the available evidence is currently insufficient to determine the role of this variant in disease. Therefore, it has been classified as a Variant of Uncertain Significance. Algorithms developed to predict the effect of missense changes on protein structure and function (SIFT, PolyPhen-2, Align-GVGD) all suggest that this variant is likely to be tolerated. ClinVar contains an entry for this variant (Variation ID: 843471). This variant has not been reported in the literature in individuals affected with DOCK2-related conditions. This variant is not present in population databases (gnomAD no frequency). This sequence change replaces glutamine, which is neutral and polar, with proline, which is neutral and non-polar, at codon 1079 of the DOCK2 protein (p.Gln1079Pro).

NM_004946.3(DOCK2):c.3236A>C (p.Gln1079Pro)

Gene: DOCK2 (dedicator of cytokinesis 2; plus strand). Cytogenetic location: 5q35.1.
Variant type: single nucleotide variant.
Coding change: c.3236A>C on transcript NM_004946.3 (MANE Select); coding-DNA position 3236, A replaced by C.
Protein change: p.Gln1079Pro; replaces glutamine 1079 with proline.
Molecular consequence: missense variant. On other transcripts: non-coding transcript variant (1).
Genome position (GRCh38, 1-based): chr5:170,018,963, A>C. VCF-style: chr5-170018963-A-C. GRCh37 (hg19) VCF-style: chr5-169445967-A-C.
Other names: short protein forms Q1079P.
Identifiers: ClinVar variation 843471 (VCV000843471.9), dbSNP rs1755628861, ClinGen allele CA362104924.